The following is an entry in ClinVar:

NM_003482.4(KMT2D):c.6326A>G (p.Gln2109Arg)

Gene: KMT2D (lysine methyltransferase 2D; minus strand). Cytogenetic location: 12q13.12.
Variant type: single nucleotide variant.
Coding change: c.6326A>G on transcript NM_003482.4 (MANE Select); coding-DNA position 6326, A replaced by G.
Protein change: p.Gln2109Arg; replaces glutamine 2109 with arginine.
Molecular consequence: missense variant.
Genome position (GRCh38, 1-based): chr12:49,041,444, T>C on the plus strand (A>G on the coding strand, the complement: KMT2D is on the minus strand). VCF-style: chr12-49041444-T-C. GRCh37 (hg19) VCF-style: chr12-49435227-T-C.
Other names: short protein forms Q2109R.
Identifiers: ClinVar variation 1517877 (VCV001517877.8), dbSNP rs1266288609, ClinGen allele CA384751311.

ClinVar aggregate classification (germline): Uncertain significance (1 of 4 stars; one submission).

Conditions:
Kabuki syndrome. Also called: Kabuki make-up syndrome; NIIKAWA-KUROKI SYNDROME. Identifiers: Orphanet 2322, MedGen C0796004, MONDO:0016512.

Allele frequency attached by ClinVar (database versions not stated): gnomAD exomes below 0.00001.
gnomAD v4.1: 1 of 1,612,040 alleles (0.000062%); highest among the groups gnomAD compares: Non-Finnish European, 0.000085%; no homozygotes.

Submission:

Labcorp Genetics (formerly Invitae), Labcorp
Classification: Uncertain significance for Kabuki syndrome. Last evaluated: 2021-03-20. Review status: criteria provided, single submitter. Criteria: Invitae Variant Classification Sherloc (09022015). Collection method: clinical testing. Allele origin: germline.
Comment: Advanced modeling of protein sequence and biophysical properties (such as structural, functional, and spatial information, amino acid conservation, physicochemical variation, residue mobility, and thermodynamic stability) performed at Invitae indicates that this missense variant is not expected to disrupt KMT2D protein function. This sequence change replaces glutamine with arginine at codon 2109 of the KMT2D protein (p.Gln2109Arg). The glutamine residue is moderately conserved and there is a small physicochemical difference between glutamine and arginine. This variant is not present in population databases (ExAC no frequency). This variant has not been reported in the literature in individuals with KMT2D-related conditions. In summary, the available evidence is currently insufficient to determine the role of this variant in disease. Therefore, it has been classified as a Variant of Uncertain Significance.